The following is an entry in ClinVar:

ClinVar aggregate classification (germline): Uncertain significance (1 of 4 stars; one submission).

Conditions:
Hereditary cancer-predisposing syndrome. Also called: Neoplastic Syndromes, Hereditary; Tumor predisposition; Hereditary neoplastic syndrome; Hereditary Cancer Syndrome. Identifiers: Orphanet 140162, MedGen C0027672, MeSH D009386, MONDO:0015356.

gnomAD v4.1: 2 of 1,614,208 alleles (0.00012%); highest among the groups gnomAD compares: South Asian, 0.0011%; no homozygotes.

Submission:

Ambry Genetics
Classification: Uncertain significance for Hereditary cancer-predisposing syndrome. Last evaluated: 2021-10-26. Review status: criteria provided, single submitter. Criteria: Ambry Variant Classification Scheme 2023. Collection method: clinical testing. Allele origin: germline.
Comment: The p.S1142C variant (also known as c.3425C>G), located in coding exon 20 of the DICER1 gene, results from a C to G substitution at nucleotide position 3425. The serine at codon 1142 is replaced by cysteine, an amino acid with dissimilar properties. This amino acid position is poorly conserved in available vertebrate species. In addition, this alteration is predicted to be tolerated by in silico analysis. Since supporting evidence is limited at this time, the clinical significance of this alteration remains unclear.

NM_177438.3(DICER1):c.3425C>G (p.Ser1142Cys)

Gene: DICER1 (dicer 1, ribonuclease III; minus strand). Cytogenetic location: 14q32.13.
Variant type: single nucleotide variant.
Coding change: c.3425C>G on transcript NM_177438.3 (MANE Select); coding-DNA position 3425, C replaced by G.
Protein change: p.Ser1142Cys; replaces serine 1142 with cysteine.
Molecular consequence: missense variant.
Genome position (GRCh38, 1-based): chr14:95,103,971, G>C on the plus strand (C>G on the coding strand, the complement: DICER1 is on the minus strand). VCF-style: chr14-95103971-G-C. GRCh37 (hg19) VCF-style: chr14-95570308-G-C.
Other names: c.3425C>G, p.Ser1142Cys (NM_001195573.1, NM_001271282.3, NM_001291628.2 and 1 more transcripts); short protein forms S1142C.
Identifiers: ClinVar variation 823758 (VCV000823758.4), dbSNP rs1212563071, ClinGen allele CA390875498.